The following is an entry in ClinVar:

ClinVar aggregate classification (germline): Conflicting classifications of pathogenicity. Review status: criteria provided, conflicting classifications (1 of 4 stars). 3 submissions from 3 submitters: Uncertain significance (2); Likely benign (1). Last evaluated 2025-11-23.

Conditions:
3-methylglutaconic aciduria with deafness, encephalopathy, and Leigh-like syndrome (MEGDEL). Also called: 3-METHYLGLUTACONIC ACIDURIA, TYPE VI; SERAC1 Deficiency; MEGDEL syndrome. Identifiers: Orphanet 352328, MedGen C4040739, MONDO:0013875, OMIM 614739.

Allele frequency attached by ClinVar (database versions not stated): ExAC 0.00002; gnomAD exomes 0.00005; gnomAD 0.00011; 1000 Genomes Project 30x 0.00016; 1000 Genomes Project 0.00020; TOPMed 0.00024.
gnomAD v4.1: 93 of 1,609,912 alleles (0.0058%); highest among the groups gnomAD compares: African/African-American, 0.028%; no homozygotes.

Submissions (3):

Labcorp Genetics (formerly Invitae), Labcorp
Classification: Uncertain significance for 3-methylglutaconic aciduria with deafness, encephalopathy, and Leigh-like syndrome. Last evaluated: 2025-11-23. Review status: criteria provided, single submitter. Criteria: Invitae Variant Classification Sherloc (09022015). Collection method: clinical testing. Allele origin: germline.
Comment: This sequence change replaces arginine, which is basic and polar, with glutamine, which is neutral and polar, at codon 114 of the SERAC1 protein (p.Arg114Gln). This variant is present in population databases (rs199580632, gnomAD 0.03%). This variant has not been reported in the literature in individuals affected with SERAC1-related conditions. ClinVar contains an entry for this variant (Variation ID: 2065859). Invitae Evidence Modeling of protein sequence and biophysical properties (such as structural, functional, and spatial information, amino acid conservation, physicochemical variation, residue mobility, and thermodynamic stability) indicates that this missense variant is not expected to disrupt SERAC1 protein function with a negative predictive value of 80%. In summary, the available evidence is currently insufficient to determine the role of this variant in disease. Therefore, it has been classified as a Variant of Uncertain Significance.

Blueprint Genetics
Classification: Likely benign. Last evaluated: 2024-09-02. Review status: criteria provided, single submitter. Criteria: ACMG Guidelines, 2015. Collection method: clinical testing. Allele origin: germline.

GeneDx
Classification: Uncertain significance. Last evaluated: 2024-05-29. Review status: criteria provided, single submitter. Criteria: GeneDx Variant Classification Process June 2021. Collection method: clinical testing. Allele origin: germline. Affected: yes.
Comment: In silico analysis indicates that this missense variant does not alter protein structure/function; Has not been previously published as pathogenic or benign to our knowledge

NM_032861.4(SERAC1):c.341G>A (p.Arg114Gln)

Gene: SERAC1 (serine active site containing 1; minus strand). Cytogenetic location: 6q25.3.
Variant type: single nucleotide variant.
Coding change: c.341G>A on transcript NM_032861.4 (MANE Select); coding-DNA position 341, G replaced by A.
Protein change: p.Arg114Gln; replaces arginine 114 with glutamine.
Molecular consequence: missense variant. On other transcripts: non-coding transcript variant (1).
Genome position (GRCh38, 1-based): chr6:158,148,879, C>T on the plus strand (G>A on the coding strand, the complement: SERAC1 is on the minus strand). VCF-style: chr6-158148879-C-T. GRCh37 (hg19) VCF-style: chr6-158569911-C-T.
Other names: c.341G>A (NM_032861.3); short protein forms R114Q.
Identifiers: ClinVar variation 2065859 (VCV002065859.6), dbSNP rs199580632, ClinGen allele CA4071401.